The following is an entry in ClinVar:

ClinVar aggregate classification (germline): Benign. Review status: criteria provided, multiple submitters, no conflicts (2 of 4 stars). 7 submissions from 6 submitters: Benign (7). Last evaluated 2026-02-02.

Conditions:
Tangier disease (TGD). Also called: HIGH DENSITY LIPOPROTEIN DEFICIENCY, TANGIER TYPE; HIGH DENSITY LIPOPROTEIN DEFICIENCY, TYPE 1; Cholesterol thesaurismosis. Identifiers: Orphanet 31150, MedGen C0039292, MONDO:0008783, OMIM 205400.
Hypoalphalipoproteinemia, primary, 1. Identifiers: Orphanet 425, MedGen C5231558, MONDO:0011393, OMIM 604091.
Cardiovascular phenotype. Identifiers: MedGen CN230736.

Allele frequency attached by ClinVar (database versions not stated): gnomAD exomes 0.00561 and 0.01453; ExAC 0.01777; gnomAD 0.05475 and 0.05833; ESP Exome Variant Server 0.06051; TOPMed 0.06079; 1000 Genomes Project 0.06310; 1000 Genomes Project 30x 0.06839.
gnomAD v4.1: 16,889 of 1,614,000 alleles (1%); highest among the groups gnomAD compares: African/African-American, 19%; 1,473 homozygotes.

Submissions (7):

Labcorp Genetics (formerly Invitae), Labcorp
Classification: Benign. Last evaluated: 2026-02-02. Review status: criteria provided, single submitter. Criteria: Invitae Variant Classification Sherloc (09022015). Collection method: clinical testing. Allele origin: germline.

Mayo Clinic Laboratories, Mayo Clinic
Classification: Benign. Last evaluated: 2023-06-05. Review status: criteria provided, single submitter. Criteria: ACMG Guidelines, 2015. Collection method: clinical testing. Allele origin: germline. Observed: 17 variant alleles.

Ambry Genetics
Classification: Benign for Cardiovascular phenotype. Last evaluated: 2019-05-03. Review status: criteria provided, single submitter. Criteria: Ambry Variant Classification Scheme 2023. Collection method: clinical testing. Allele origin: germline.

GeneDx
Classification: Benign. Last evaluated: 2018-09-21. Review status: criteria provided, single submitter. Criteria: GeneDx Variant Classification Process June 2021. Collection method: clinical testing. Allele origin: germline. Affected: yes.

Illumina Laboratory Services, Illumina
Classification: Benign for Tangier disease. Last evaluated: 2018-01-12. Review status: criteria provided, single submitter. Criteria: ICSL Variant Classification Criteria 13 December 2019. Collection method: clinical testing. Allele origin: germline.
Comment: This variant was observed in the ICSL laboratory as part of a predisposition screen in an ostensibly healthy population. It had not been previously curated by ICSL or reported in the Human Gene Mutation Database (HGMD: prior to June 1st, 2018), and was therefore a candidate for classification through an automated scoring system. Utilizing variant allele frequency, disease prevalence and penetrance estimates, and inheritance mode, an automated score was calculated to assess if this variant is too frequent to cause the disease. Based on the score and internal cut-off values, a variant classified as benign is not then subjected to further curation. The score for this variant resulted in a classification of benign for this disease.

Illumina Laboratory Services, Illumina
Classification: Benign for Hypoalphalipoproteinemia, primary, 1. Last evaluated: 2018-01-12. Review status: criteria provided, single submitter. Criteria: ICSL Variant Classification Criteria 13 December 2019. Collection method: clinical testing. Allele origin: germline.
Comment: the same text as in the submission from Illumina Laboratory Services, Illumina above.

Breakthrough Genomics
Classification: Benign. Review status: criteria provided, single submitter. Criteria: ACMG Guidelines, 2015. Collection method: not provided. Allele origin: germline. Inheritance: Autosomal recessive inheritance. Affected: yes.

NM_005502.4(ABCA1):c.3684G>A (p.Arg1228=)

Gene: ABCA1 (ATP binding cassette subfamily A member 1; minus strand). Cytogenetic location: 9q31.1.
Variant type: single nucleotide variant.
Coding change: c.3684G>A on transcript NM_005502.4 (MANE Select); coding-DNA position 3684, G replaced by A.
Protein change: p.Arg1228=; no amino-acid change (arginine 1228 retained).
Molecular consequence: synonymous variant.
Genome position (GRCh38, 1-based): chr9:104,816,197, C>T on the plus strand (G>A on the coding strand, the complement: ABCA1 is on the minus strand). VCF-style: chr9-104816197-C-T. GRCh37 (hg19) VCF-style: chr9-107578478-C-T.
Other names: p.Arg1228=.
Identifiers: ClinVar variation 364412 (VCV000364412.18), dbSNP rs2230807, ClinGen allele CA5168367.
Genomic context (GRCh38, chr9:104,816,197, plus strand): 5'-ACTTACTTCTTCCAGGGTCGTCTCTGAGATGCCATAACTAGAAATGCCCAGGTCTGAGAG[C>T]CGGTCATCAATCTCATGAAAGAGTTCCACAAAGGCTCCCTCCTTAGCAGCTTCATATGGC-3'
Protein context (NP_005493.2, residues 1218-1238): FVELFHEIDD[Arg1228=]LSDLGISSYG